The following is an entry in ClinVar:

ClinVar aggregate classification (germline): Uncertain significance. Review status: criteria provided, multiple submitters, no conflicts (2 of 4 stars). 2 submissions from 2 submitters: Uncertain significance (2). Last evaluated 2026-08-06.

Conditions:
Primary immunodeficiency with natural-killer cell deficiency and adrenal insufficiency (IMD54). Also called: Natural killer cell and glucocorticoid deficiency with DNA repair defect; IMMUNODEFICIENCY 54. Identifiers: Orphanet 75391, MedGen C1864947, MONDO:0012383, OMIM 609981.

Submissions (2):

OLLIN Analises Genomicas, OLLIN
Classification: Uncertain significance for Primary immunodeficiency with natural-killer cell deficiency and adrenal insufficiency. Last evaluated: 2026-08-06. Review status: criteria provided, single submitter. Criteria: ACMG Guidelines 2015 PMID 25741868. Collection method: clinical testing. Allele origin: germline. Inheritance: Autosomal recessive inheritance.
Comment: This frameshift variant, located in exon 15 (of 17), is absent from gnomAD and ClinVar and has not been identified in the literature. This variant causes a frameshift and introduces a premature stop codon, which is predicted to result in either a truncated protein or degradation of the mRNA via nonsense-mediated decay (NMD). According to the currently available evidence, this variant has been classified as uncertain significance (PVS1_S, PM2_P).

Dasa
Classification: Uncertain significance for primary immunodeficiency with natural-killer cell deficiency and adrenal insufficiency. Last evaluated: 2024-11-11. Review status: criteria provided, single submitter. Criteria: DASA Assertion Criteria. Collection method: clinical testing. Allele origin: germline.
Comment: NM_182746.3(MCM4):c.2353_2354del (p.Ile785Serfs*11) is a frameshift variant in MCM4 predicted to alter the reading frame and introduce a premature termination codon and is predicted to result in an absent or altered protein product. This variant is absent from population databases. The currently available literature and clinical evidence are not sufficient to establish a definitive association between this variant and the reported condition. Therefore, this variant is classified as a variant of uncertain significance.

NM_182746.3(MCM4):c.2353_2354del (p.Ile785fs)

Gene: MCM4 (minichromosome maintenance complex component 4; plus strand). Cytogenetic location: 8q11.21.
Variant type: Deletion.
Coding change: c.2353_2354del on transcript NM_182746.3 (MANE Select); coding-DNA positions 2353 to 2354, 2 bases deleted (AT; older notation c.2353_2354delAT).
Protein change: p.Ile785fs; shifts the reading frame from isoleucine 785.
Molecular consequence: frameshift variant.
Genome position (GRCh38, 1-based): chr8:47,974,950-47,974,951, AT deleted; deleting any 2 consecutive bases within chr8:47,974,949-47,974,951 gives the same sequence; the c. name uses the placement nearest the transcript's 3' end. VCF-style (leftmost placement, unchanged base first): chr8-47974948-CTA-C. GRCh37 (hg19) VCF-style: chr8-48887508-CTA-C.
Other names: c.2353_2354del, p.Ile785fs (NM_005914.4); short protein forms I785fs.
Identifiers: ClinVar variation 4883971 (VCV004883971.3).